The following is an entry in ClinVar:

NM_001206979.2(NR1H4):c.655C>T (p.His219Tyr)

Gene: NR1H4 (nuclear receptor subfamily 1 group H member 4; plus strand). Cytogenetic location: 12q23.1.
Variant type: single nucleotide variant.
Coding change: c.655C>T on transcript NM_001206979.2 (MANE Select); coding-DNA position 655, C replaced by T.
Protein change: p.His219Tyr; replaces histidine 219 with tyrosine.
Molecular consequence: missense variant. On other transcripts: non-coding transcript variant (1).
Genome position (GRCh38, 1-based): chr12:100,534,946, C>T. VCF-style: chr12-100534946-C-T. GRCh37 (hg19) VCF-style: chr12-100928724-C-T.
Other names: c.643C>T (NM_005123.3); c.655C>T, p.His219Tyr (NM_001206977.2); c.502C>T, p.His168Tyr (NM_001206978.2); c.673C>T, p.His225Tyr (NM_001206992.2); c.685C>T, p.His229Tyr (NM_001206993.2); c.643C>T, p.His215Tyr (NM_005123.4); short protein forms H215Y, H219Y, H168Y, H225Y, H229Y.
Identifiers: ClinVar variation 502321 (VCV000502321.9), dbSNP rs189042762, ClinGen allele CA6739295.

ClinVar aggregate classification (germline): Uncertain significance. Review status: criteria provided, multiple submitters, no conflicts (2 of 4 stars). 3 submissions from 3 submitters: Uncertain significance (3). Last evaluated 2026-06-01.

Conditions:
NR1H4-related disorder. Also called: NR1H4-related condition.

Allele frequency attached by ClinVar (database versions not stated): 1000 Genomes Project 0.00020; ExAC 0.00026; gnomAD exomes 0.00027 and 0.00060; 1000 Genomes Project 30x 0.00031; TOPMed 0.00031; ESP Exome Variant Server 0.00046.
gnomAD v4.1: 903 of 1,614,168 alleles (0.056%); highest among the groups gnomAD compares: Non-Finnish European, 0.072%; 1 homozygote.

Submissions (3):

PreventionGenetics, part of Exact Sciences
Classification: Uncertain significance for NR1H4-related condition. Last evaluated: 2026-06-01. Review status: criteria provided, single submitter. Criteria: ACMG Guidelines, 2015. Collection method: clinical testing. Allele origin: germline.
Comment: The NR1H4 c.643C>T variant is predicted to result in the amino acid substitution p.His215Tyr. This variant has been reported in Marzolini C. et al. 2007 (PubMed ID: 17519356), demonstrating a limited effect on protein function. This variant is reported in up to 0.050% of alleles in individuals of European (Non-Finnish) descent, which may be too common to be too common to be associated with disease. While we suspect this variant may be benign, the clinical significance of this variant is uncertain due to the absence of conclusive functional and genetic evidence.

Labcorp Genetics (formerly Invitae), Labcorp
Classification: Uncertain significance. Last evaluated: 2022-05-03. Review status: criteria provided, single submitter. Criteria: Invitae Variant Classification Sherloc (09022015). Collection method: clinical testing. Allele origin: germline.
Comment: Algorithms developed to predict the effect of missense changes on protein structure and function (SIFT, PolyPhen-2, Align-GVGD) all suggest that this variant is likely to be tolerated. Experimental studies have shown that this missense change does not substantially affect NR1H4 function (PMID: 17519356). In summary, the available evidence is currently insufficient to determine the role of this variant in disease. Therefore, it has been classified as a Variant of Uncertain Significance. ClinVar contains an entry for this variant (Variation ID: 502321). This variant has not been reported in the literature in individuals affected with NR1H4-related conditions. This sequence change replaces histidine, which is basic and polar, with tyrosine, which is neutral and polar, at codon 215 of the NR1H4 protein (p.His215Tyr). This variant is present in population databases (rs189042762, gnomAD 0.05%).

Eurofins Ntd Llc (ga)
Classification: Uncertain significance. Last evaluated: 2018-07-17. Review status: criteria provided, single submitter. Criteria: EGL ClinVar v180209 classification definitions. Collection method: clinical testing. Allele origin: germline. Observed: 2 variant alleles, 2 heterozygotes.

Literature cited by the submitters: PubMed 17519356 (cited by Labcorp Genetics (formerly Invitae), Labcorp).